The following is an entry in ClinVar:

ClinVar aggregate classification (germline): Uncertain significance (1 of 4 stars; one submission).

gnomAD v4.1: 1 of 1,447,626 alleles (0.000069%); highest among the groups gnomAD compares: Non-Finnish European, 0.000091%; no homozygotes.

Submission:

Labcorp Genetics (formerly Invitae), Labcorp
Classification: Uncertain significance. Last evaluated: 2022-11-01. Review status: criteria provided, single submitter. Criteria: Invitae Variant Classification Sherloc (09022015). Collection method: clinical testing. Allele origin: germline.
Comment: This variant is not present in population databases (gnomAD no frequency). This variant has not been reported in the literature in individuals affected with GRM6-related conditions. Advanced modeling of protein sequence and biophysical properties (such as structural, functional, and spatial information, amino acid conservation, physicochemical variation, residue mobility, and thermodynamic stability) has been performed at Invitae for this missense variant, however the output from this modeling did not meet the statistical confidence thresholds required to predict the impact of this variant on GRM6 protein function. This sequence change replaces alanine, which is neutral and non-polar, with threonine, which is neutral and polar, at codon 151 of the GRM6 protein (p.Ala151Thr). In summary, the available evidence is currently insufficient to determine the role of this variant in disease. Therefore, it has been classified as a Variant of Uncertain Significance.

NM_000843.4(GRM6):c.451G>A (p.Ala151Thr)

Gene: GRM6 (glutamate metabotropic receptor 6; minus strand). Cytogenetic location: 5q35.3.
Variant type: single nucleotide variant.
Coding change: c.451G>A on transcript NM_000843.4 (MANE Select); coding-DNA position 451, G replaced by A.
Protein change: p.Ala151Thr; replaces alanine 151 with threonine.
Molecular consequence: missense variant.
Genome position (GRCh38, 1-based): chr5:178,994,494, C>T on the plus strand (G>A on the coding strand, the complement: GRM6 is on the minus strand). VCF-style: chr5-178994494-C-T. GRCh37 (hg19) VCF-style: chr5-178421495-C-T.
Other names: short protein forms A151T.
Identifiers: ClinVar variation 1986232 (VCV001986232.4), dbSNP rs1301398590, ClinGen allele CA362435728.